The following is an entry in ClinVar:

ClinVar aggregate classification (germline): Uncertain significance (1 of 4 stars; one submission).

Conditions:
Hereditary cancer-predisposing syndrome. Also called: Hereditary neoplastic syndrome; Hereditary Cancer Syndrome; Tumor predisposition; Neoplastic Syndromes, Hereditary. Identifiers: Orphanet 140162, MedGen C0027672, MeSH D009386, MONDO:0015356.

Submission:

Ambry Genetics
Classification: Uncertain significance for Hereditary cancer-predisposing syndrome. Last evaluated: 2025-10-20. Review status: criteria provided, single submitter. Criteria: Ambry Variant Classification Scheme 2023. Collection method: clinical testing. Allele origin: germline.
Comment: The p.D105E variant (also known as c.315C>G), located in coding exon 2 of the CDKN2A gene, results from a C to G substitution at nucleotide position 315. The aspartic acid at codon 105 is replaced by glutamic acid, an amino acid with highly similar properties. Of note, this variant is also known as c.358C>G (p.R120G)in the p14(ARF) isoform. This amino acid position is well conserved in available vertebrate species. In addition, the in silico prediction for this alteration is inconclusive. Based on the available evidence, the clinical significance of this variant remains unclear.

Literature cited by the submitters: PubMed 21462282.

NM_000077.5(CDKN2A):c.315C>G (p.Asp105Glu)

Gene: CDKN2A (cyclin dependent kinase inhibitor 2A; minus strand). Cytogenetic location: 9p21.3.
Variant type: single nucleotide variant.
Coding change: c.315C>G on transcript NM_000077.5; coding-DNA position 315, C replaced by G.
Protein change: p.Asp105Glu; replaces aspartic acid 105 with glutamic acid.
Molecular consequence: missense variant (on NM_000077.6). On other transcripts: 3 prime UTR variant (1).
Genome position (GRCh38, 1-based): chr9:21,971,044, G>C on the plus strand (C>G on the coding strand, the complement: CDKN2A is on the minus strand). VCF-style: chr9-21971044-G-C. GRCh37 (hg19) VCF-style: chr9-21971043-G-C.
Other names: c.315C>G, p.Asp105Glu (NM_000077.6, NM_001195132.2); c.162C>G, p.Asp54Glu (NM_001363763.2); c.358C>G, p.Arg120Gly (NM_058195.4); c.*238C>G (NM_058197.5); short protein forms D105E, D54E, R120G.
Identifiers: ClinVar variation 1728273 (VCV001728273.3), dbSNP rs763269347, ClinGen allele CA373086077.